The following is an entry in ClinVar:

NM_000138.5(FBN1):c.6164-1G>T

Gene: FBN1 (fibrillin 1; minus strand). Cytogenetic location: 15q21.1.
Variant type: single nucleotide variant.
Coding change: c.6164-1G>T on transcript NM_000138.5 (MANE Select); the canonical splice acceptor site of the intron before coding-DNA position 6164, G replaced by T.
Molecular consequence: splice acceptor variant.
Genome position (GRCh38, 1-based): chr15:48,437,918, C>A on the plus strand (G>T on the coding strand, the complement: FBN1 is on the minus strand). VCF-style: chr15-48437918-C-A. GRCh37 (hg19) VCF-style: chr15-48730115-C-A.
Other names: c.6164-1G>T (NM_001406716.1).
Identifiers: ClinVar variation 2925539 (VCV002925539.3), dbSNP rs1060501048, ClinGen allele CA392337368.
Genomic context (GRCh38, chr15:48,437,918, plus strand): 5'-ATTTGGGTGATGAACACTTTCCTCCTTCAAACTTCGCATAACAGTAGCTCATTCGCAAAT[C>A]TGCAGCATAAATTTATGACACCCTTCAGTTGCTTTCCTACTGAGTCCGTATTGCACCATA-3'

ClinVar aggregate classification (germline): Pathogenic (1 of 4 stars; one submission).

Conditions:
Marfan syndrome (MFS). Also called: MARFAN SYNDROME, TYPE I; Marfan syndrome type 1; Marfan's syndrome; Marfan syndrome, classic; FBN1-Related Marfan Syndrome. Identifiers: Orphanet 284963, Orphanet 558, MedGen C0024796, MONDO:0007947, OMIM 154700.
Familial thoracic aortic aneurysm and aortic dissection (TAAD). Also called: Thoracic aortic aneurysms and dissections. Identifiers: Orphanet 91387, MedGen C4707243, MONDO:0019625.

Submission:

Labcorp Genetics (formerly Invitae), Labcorp
Classification: Pathogenic for Marfan syndrome; Familial thoracic aortic aneurysm and aortic dissection. Last evaluated: 2023-09-29. Review status: criteria provided, single submitter. Criteria: Invitae Variant Classification Sherloc (09022015). Collection method: clinical testing. Allele origin: germline.
Comment: This sequence change affects an acceptor splice site in intron 50 of the FBN1 gene. It is expected to disrupt RNA splicing. Variants that disrupt the donor or acceptor splice site typically lead to a loss of protein function (PMID: 16199547), and loss-of-function variants in FBN1 are known to be pathogenic (PMID: 17657824, 19293843). This variant is not present in population databases (gnomAD no frequency). Disruption of this splice site has been observed in individuals with Marfan syndrome (PMID: 16220557, 17657824, 24161884; Invitae). Algorithms developed to predict the effect of sequence changes on RNA splicing suggest that this variant may disrupt the consensus splice site. For these reasons, this variant has been classified as Pathogenic.

Literature cited by the submitters: PubMed 16199547; PubMed 17657824; PubMed 19293843; PubMed 16220557; PubMed 24161884.